The following is an entry in ClinVar:

ClinVar aggregate classification (germline): Pathogenic (1 of 4 stars; one submission).

Conditions:
Gorlin syndrome. Also called: Nevoid Basal Cell Carcinoma Syndrome; Basal cell nevus syndrome. Identifiers: Orphanet 377, MedGen C0004779, MONDO:0007187.

Submission:

Labcorp Genetics (formerly Invitae), Labcorp
Classification: Pathogenic for Gorlin syndrome. Last evaluated: 2018-06-30. Review status: criteria provided, single submitter. Criteria: Invitae Variant Classification Sherloc (09022015). Collection method: clinical testing. Allele origin: germline.
Comment: This sequence change creates a premature translational stop signal (p.Tyr1009*) in the PTCH1 gene. It is expected to result in an absent or disrupted protein product. This variant is not present in population databases (ExAC no frequency). This variant has not been reported in the literature in individuals with PTCH1-related disease. Two different variants (c.3026dupA, c.3027C>A) giving rise to the same protein effect observed here (p.Tyr1009*) have been reported in individuals affected with Gorlin syndrome (PMID: 8981943, 9341860). Loss-of-function variants in PTCH1 are known to be pathogenic (PMID: 16301862, 16419085). For these reasons, this variant has been classified as Pathogenic.

Literature cited by the submitters: PubMed 8981943; PubMed 9341860; PubMed 16301862; PubMed 16419085.

NM_000264.5(PTCH1):c.3027_3030del (p.Ser1008_Tyr1009insTer)

Gene: PTCH1 (patched 1; minus strand). Cytogenetic location: 9q22.32.
Variant type: Deletion.
Coding change: c.3027_3030del on transcript NM_000264.5 (MANE Select); coding-DNA positions 3027 to 3030, 4 bases deleted (CCCC; older notation c.3027_3030delCCCC).
Protein change: p.Ser1008_Tyr1009insTer.
Molecular consequence: nonsense. On other transcripts: non-coding transcript variant (1).
Genome position (GRCh38, 1-based): chr9:95,458,151-95,458,154, GGGG deleted on the plus strand (CCCC on the coding strand, the reverse complement: PTCH1 is on the minus strand). VCF-style (leftmost placement, unchanged base first): chr9-95458150-TGGGG-T. GRCh37 (hg19) VCF-style: chr9-98220432-TGGGG-T.
Other names: c.2829_2832del, p.Ser942_Tyr943insTer (NM_001083602.3); c.3024_3027del, p.Ser1007_Tyr1008insTer (NM_001083603.3); c.2574_2577del, p.Ser857_Tyr858insTer (NM_001083604.3, NM_001083605.3, NM_001083606.3 and 1 more transcripts); c.2871_2874del, p.Ser956_Tyr957insTer (NM_001354918.2).
Identifiers: ClinVar variation 1071198 (VCV001071198.9), dbSNP rs2136661234, ClinGen allele CA2499220030.